The following is an entry in ClinVar:

NM_021098.3(CACNA1H):c.1343C>A (p.Ala448Asp)

Gene: CACNA1H (calcium voltage-gated channel subunit alpha1 H; plus strand). Cytogenetic location: 16p13.3.
Variant type: single nucleotide variant.
Coding change: c.1343C>A on transcript NM_021098.3 (MANE Select); coding-DNA position 1343, C replaced by A.
Protein change: p.Ala448Asp; replaces alanine 448 with aspartic acid.
Molecular consequence: missense variant.
Genome position (GRCh38, 1-based): chr16:1,201,793, C>A. VCF-style: chr16-1201793-C-A. GRCh37 (hg19) VCF-style: chr16-1251793-C-A.
Other names: c.1343C>A, p.Ala448Asp (NM_001005407.2); c.1343C>A (NM_021098.2); short protein forms A448D.
Identifiers: ClinVar variation 2932363 (VCV002932363.5), dbSNP rs770949848, ClinGen allele CA7799917.

ClinVar aggregate classification (germline): Conflicting classifications of pathogenicity. Review status: criteria provided, conflicting classifications (1 of 4 stars). 3 submissions from 3 submitters: Uncertain significance (2); Likely benign (1). Last evaluated 2024-05-17.

Conditions:
Idiopathic generalized epilepsy. Also called: Generalised epilepsy; EIG. Identifiers: MedGen C0270850, MONDO:0005579, OMIM 600669.
Hyperaldosteronism, familial, type IV (HALD4). Also called: FH IV; ALDOSTERONISM, PRIMARY, AND HYPERTENSION. Identifiers: Orphanet 642671, MedGen C4310756, MONDO:0014875, OMIM 617027.
Epilepsy, childhood absence, susceptibility to, 6. Identifiers: Orphanet 64280, MedGen C2749872, MONDO:0012763, OMIM 611942.

Allele frequency attached by ClinVar (database versions not stated): gnomAD exomes 0.00001; ExAC 0.00003.
gnomAD v4.1: 4 of 1,596,244 alleles (0.00025%); highest among the groups gnomAD compares: Admixed American, 0.007%; no homozygotes.

Submissions (3):

Labcorp Genetics (formerly Invitae), Labcorp
Classification: Likely benign for Idiopathic generalized epilepsy; Hyperaldosteronism, familial, type IV. Last evaluated: 2024-05-17. Review status: criteria provided, single submitter. Criteria: Invitae Variant Classification Sherloc (09022015). Collection method: clinical testing. Allele origin: germline.

Fulgent Genetics
Classification: Uncertain significance for Epilepsy, childhood absence, susceptibility to, 6; Hyperaldosteronism, familial, type IV. Last evaluated: 2024-04-03. Review status: criteria provided, single submitter. Criteria: ACMG Guidelines, 2015. Collection method: clinical testing. Allele origin: germline.

GeneDx
Classification: Uncertain significance. Last evaluated: 2023-05-11. Review status: criteria provided, single submitter. Criteria: GeneDx Variant Classification Process June 2021. Collection method: clinical testing. Allele origin: germline. Affected: yes.
Comment: In silico analysis supports that this missense variant has a deleterious effect on protein structure/function; Has not been previously published as pathogenic or benign to our knowledge